The following is an entry in ClinVar:

ClinVar aggregate classification (germline): Uncertain significance. Review status: criteria provided, multiple submitters, no conflicts (2 of 4 stars). 2 submissions from 2 submitters: Uncertain significance (2). Last evaluated 2022-06-13.

Allele frequency attached by ClinVar (database versions not stated): ESP Exome Variant Server 0.00008; TOPMed 0.00015; gnomAD 0.00019 and 0.00021; gnomAD exomes 0.00023 and 0.00029; ExAC 0.00028.
gnomAD v4.1: 453 of 1,613,800 alleles (0.028%); highest among the groups gnomAD compares: Non-Finnish European, 0.035%; 1 homozygote.

Submissions (2):

Labcorp Genetics (formerly Invitae), Labcorp
Classification: Uncertain significance. Last evaluated: 2022-06-13. Review status: criteria provided, single submitter. Criteria: Invitae Variant Classification Sherloc (09022015). Collection method: clinical testing. Allele origin: germline.
Comment: In summary, the available evidence is currently insufficient to determine the role of this variant in disease. Therefore, it has been classified as a Variant of Uncertain Significance. Algorithms developed to predict the effect of missense changes on protein structure and function output the following: SIFT: "Tolerated"; PolyPhen-2: "Benign"; Align-GVGD: "Class C0". The valine amino acid residue is found in multiple mammalian species, which suggests that this missense change does not adversely affect protein function. This variant has not been reported in the literature in individuals affected with PIGC-related conditions. This variant is present in population databases (rs200105210, gnomAD 0.04%). This sequence change replaces isoleucine, which is neutral and non-polar, with valine, which is neutral and non-polar, at codon 149 of the PIGC protein (p.Ile149Val).

Ambry Genetics
Classification: Uncertain significance. Last evaluated: 2021-07-09. Review status: criteria provided, single submitter. Criteria: Ambry Variant Classification Scheme 2023. Collection method: clinical testing. Allele origin: germline.

NM_153747.2(PIGC):c.445A>G (p.Ile149Val)

Genes: PIGC (phosphatidylinositol glycan anchor biosynthesis class C; minus strand), C1orf105 (chromosome 1 open reading frame 105; plus strand). Cytogenetic location: 1q24.3.
Variant type: single nucleotide variant.
Coding change: c.445A>G on transcript NM_153747.2 (MANE Select); coding-DNA position 445, A replaced by G.
Protein change: p.Ile149Val; replaces isoleucine 149 with valine.
Molecular consequence: missense variant. On other transcripts: intron variant (1).
Genome position (GRCh38, 1-based): chr1:172,442,178, T>C on the plus strand (A>G on the coding strand, the complement: PIGC is on the minus strand). VCF-style: chr1-172442178-T-C. GRCh37 (hg19) VCF-style: chr1-172411318-T-C.
Other names: c.445A>G, p.Ile149Val (NM_002642.4); c.22-2895T>C (NM_139240.4); short protein forms I149V.
Identifiers: ClinVar variation 1511713 (VCV001511713.7), dbSNP rs200105210, ClinGen allele CA1245970.
Genomic context (GRCh38, chr1:172,442,178, plus strand): 5'-TGGCACCATAGTCAAAAAAGATGAGATGGCCTAACAGCATGAAGACTGACATGGCATAGA[T>C]GGTGTCAGTGCTGACAGACTCTGTAAGGGTCTTCAGCACTGGTGAAAACCCATAAGTGAA-3'
Protein context (NP_714969.1, residues 139-159): TLTESVSTDT[Ile149Val]YAMSVFMLLG